The following is an entry in ClinVar:

ClinVar aggregate classification (germline): Likely benign (1 of 4 stars; one submission).

Allele frequency attached by ClinVar (database versions not stated): ExAC 0.00056; gnomAD 0.00082; 1000 Genomes Project 30x 0.00016; 1000 Genomes Project 0.00020; TOPMed 0.00088; ESP Exome Variant Server 0.00115; gnomAD exomes 0.00126.
gnomAD v4.1: 1,930 of 1,600,910 alleles (0.12%); highest among the groups gnomAD compares: Non-Finnish European, 0.16%; 1 homozygote.

Submission:

CeGaT Center for Human Genetics Tuebingen
Classification: Likely benign. Last evaluated: 2023-02-01. Review status: criteria provided, single submitter. Criteria: CeGaT Center For Human Genetics Tuebingen Variant Classification Criteria Version 2. Collection method: clinical testing. Allele origin: germline. Affected: yes. Observed: 1 variant allele.
Comment: ETNPPL: BP4, BP7

NM_031279.4(ETNPPL):c.459G>A (p.Lys153=)

Gene: ETNPPL (ethanolamine-phosphate phospho-lyase; minus strand). Cytogenetic location: 4q25.
Variant type: single nucleotide variant.
Coding change: c.459G>A on transcript NM_031279.4 (MANE Select); coding-DNA position 459, G replaced by A.
Protein change: p.Lys153=; no amino-acid change (lysine 153 retained).
Molecular consequence: synonymous variant.
Genome position (GRCh38, 1-based): chr4:108,754,662, C>T on the plus strand (G>A on the coding strand, the complement: ETNPPL is on the minus strand). VCF-style: chr4-108754662-C-T. GRCh37 (hg19) VCF-style: chr4-109675818-C-T.
Other names: c.441G>A, p.Lys147= (NM_001146590.2); c.285G>A, p.Lys95= (NM_001146627.2); c.339G>A, p.Lys113= (NM_001331031.2, NM_001331032.2); c.240G>A, p.Lys80= (NM_001331033.2).
Identifiers: ClinVar variation 2655021 (VCV002655021.24), dbSNP rs143773873, ClinGen allele CA3038769.